The following is an entry in ClinVar:

ClinVar aggregate classification (germline): Uncertain significance (1 of 4 stars; one submission).

Submission:

CeGaT Center for Human Genetics Tuebingen
Classification: Uncertain significance. Last evaluated: 2024-02-01. Review status: criteria provided, single submitter. Criteria: CeGaT Center For Human Genetics Tuebingen Variant Classification Criteria Version 2. Collection method: clinical testing. Allele origin: germline. Affected: yes. Observed: 1 variant allele.
Comment: CHD3: PM2

NM_001005273.3(CHD3):c.1256G>A (p.Ser419Asn)

Genes: CHD3 (chromodomain helicase DNA binding protein 3; plus strand), LOC126862484 (CDK7 strongly-dependent group 2 enhancer GRCh37_chr17:7797066-7798265; plus strand). Cytogenetic location: 17p13.1.
Variant type: single nucleotide variant.
Coding change: c.1256G>A on transcript NM_001005273.3 (MANE Select); coding-DNA position 1256, G replaced by A.
Protein change: p.Ser419Asn; replaces serine 419 with asparagine.
Molecular consequence: missense variant.
Genome position (GRCh38, 1-based): chr17:7,894,595, G>A. VCF-style: chr17-7894595-G-A. GRCh37 (hg19) VCF-style: chr17-7797913-G-A.
Other names: c.1433G>A, p.Ser478Asn (NM_001005271.3); c.1256G>A, p.Ser419Asn (NM_005852.4); short protein forms S419N, S478N.
Identifiers: ClinVar variation 3027216 (VCV003027216.22), dbSNP rs2544819987, ClinGen allele CA397938885.
Genomic context (GRCh38, chr17:7,894,595, plus strand): 5'-GTGCCTACCACCTCGTCTGCCTTGATCCTGAGCTTGACCGGGCTCCAGAGGGCAAATGGA[G>A]CTGCCCTCACTGTGTGAGTACCTAATGCCAGCATCTGATGGCCCTGAGGAACCCACCCAT-3'
Protein context (NP_001005273.1, residues 409-429): ELDRAPEGKW[Ser419Asn]CPHCEKEGVQ